The following is an entry in ClinVar:

ClinVar aggregate classification (germline): Uncertain significance (1 of 4 stars; one submission).

Conditions:
Ehlers-Danlos syndrome, type 4 (EDSVASC). Also called: Ehlers-Danlos syndrome vascular type; Ehlers Danlos syndrome, ecchymotic type; Ehlers Danlos syndrome, arterial type; Ehlers Danlos syndrome, Sack-Barabas type; Ehlers-Danlos Syndrome Type IV. Identifiers: Orphanet 286, MedGen C0268338, MONDO:0017314, OMIM 130050.

Allele frequency attached by ClinVar (database versions not stated): TOPMed 0.00001.

Submission:

Labcorp Genetics (formerly Invitae), Labcorp
Classification: Uncertain significance for Ehlers-Danlos syndrome, type 4. Last evaluated: 2021-12-20. Review status: criteria provided, single submitter. Criteria: Invitae Variant Classification Sherloc (09022015). Collection method: clinical testing. Allele origin: germline.
Comment: This sequence change falls in intron 10 of the COL3A1 gene. It does not directly change the encoded amino acid sequence of the COL3A1 protein. It affects a nucleotide within the consensus splice site. In summary, the available evidence is currently insufficient to determine the role of this variant in disease. Therefore, it has been classified as a Variant of Uncertain Significance. Variants that disrupt the consensus splice site are a relatively common cause of aberrant splicing (PMID: 17576681, 9536098). Algorithms developed to predict the effect of sequence changes on RNA splicing suggest that this variant may disrupt the consensus splice site. This variant has not been reported in the literature in individuals affected with COL3A1-related conditions. This variant is not present in population databases (gnomAD no frequency).

Literature cited by the submitters: PubMed 17576681; PubMed 9536098.

NM_000090.4(COL3A1):c.798+4A>C

Gene: COL3A1 (collagen type III alpha 1 chain; plus strand). Cytogenetic location: 2q32.2.
Variant type: single nucleotide variant.
Coding change: c.798+4A>C on transcript NM_000090.4 (MANE Select); 4 bases into the intron after coding-DNA position 798, A replaced by C.
Molecular consequence: intron variant.
Genome position (GRCh38, 1-based): chr2:188,990,364, A>C. VCF-style: chr2-188990364-A-C. GRCh37 (hg19) VCF-style: chr2-189855090-A-C.
Identifiers: ClinVar variation 2003776 (VCV002003776.4), dbSNP rs1399260275, ClinGen allele CA762192336.